The following is an entry in ClinVar:

NM_003482.4(KMT2D):c.13585A>G (p.Ser4529Gly)

Gene: KMT2D (lysine methyltransferase 2D; minus strand). Cytogenetic location: 12q13.12.
Variant type: single nucleotide variant.
Coding change: c.13585A>G on transcript NM_003482.4 (MANE Select); coding-DNA position 13585, A replaced by G.
Protein change: p.Ser4529Gly; replaces serine 4529 with glycine.
Molecular consequence: missense variant.
Genome position (GRCh38, 1-based): chr12:49,030,979, T>C on the plus strand (A>G on the coding strand, the complement: KMT2D is on the minus strand). VCF-style: chr12-49030979-T-C. GRCh37 (hg19) VCF-style: chr12-49424762-T-C.
Other names: short protein forms S4529G.
Identifiers: ClinVar variation 2099290 (VCV002099290.4), dbSNP rs2120412892, ClinGen allele CA384703533.

ClinVar aggregate classification (germline): Uncertain significance (1 of 4 stars; one submission).

Conditions:
Kabuki syndrome. Also called: Kabuki make-up syndrome; NIIKAWA-KUROKI SYNDROME. Identifiers: Orphanet 2322, MedGen C0796004, MONDO:0016512.

Submission:

Labcorp Genetics (formerly Invitae), Labcorp
Classification: Uncertain significance for Kabuki syndrome. Last evaluated: 2021-12-25. Review status: criteria provided, single submitter. Criteria: Invitae Variant Classification Sherloc (09022015). Collection method: clinical testing. Allele origin: germline.
Comment: This sequence change replaces serine, which is neutral and polar, with glycine, which is neutral and non-polar, at codon 4529 of the KMT2D protein (p.Ser4529Gly). This variant is not present in population databases (gnomAD no frequency). This variant has not been reported in the literature in individuals affected with KMT2D-related conditions. Advanced modeling of protein sequence and biophysical properties (such as structural, functional, and spatial information, amino acid conservation, physicochemical variation, residue mobility, and thermodynamic stability) performed at Invitae indicates that this missense variant is not expected to disrupt KMT2D protein function. In summary, the available evidence is currently insufficient to determine the role of this variant in disease. Therefore, it has been classified as a Variant of Uncertain Significance.